The following is an entry in ClinVar:

NM_014225.6(PPP2R1A):c.489G>T (p.Lys163Asn)

Gene: PPP2R1A (protein phosphatase 2 scaffold subunit Aalpha; plus strand). Cytogenetic location: 19q13.41.
Variant type: single nucleotide variant.
Coding change: c.489G>T on transcript NM_014225.6 (MANE Select); coding-DNA position 489, G replaced by T.
Protein change: p.Lys163Asn; replaces lysine 163 with asparagine.
Molecular consequence: missense variant. On other transcripts: 5 prime UTR variant (1), non-coding transcript variant (1).
Genome position (GRCh38, 1-based): chr19:52,211,478, G>T. VCF-style: chr19-52211478-G-T. GRCh37 (hg19) VCF-style: chr19-52714731-G-T.
Other names: c.-49G>T (NM_001363656.2); short protein forms K163N.
Identifiers: ClinVar variation 451095 (VCV000451095.6), dbSNP rs1474301500, ClinGen allele CA407183078.

ClinVar aggregate classification (germline): Conflicting classifications of pathogenicity. Review status: criteria provided, conflicting classifications (1 of 4 stars). 3 submissions from 3 submitters: Uncertain significance (2); Likely benign (1). Last evaluated 2024-06-26.

Conditions:
Inborn genetic diseases. Identifiers: MedGen C0950123, MeSH D030342.

Allele frequency attached by ClinVar (database versions not stated): gnomAD 0.00001; gnomAD exomes 0.00001; TOPMed 0.00002.
gnomAD v4.1: 11 of 1,608,660 alleles (0.00068%); highest among the groups gnomAD compares: Non-Finnish European, 0.00094%; no homozygotes.

Submissions (3):

Labcorp Genetics (formerly Invitae), Labcorp
Classification: Likely benign. Last evaluated: 2024-06-26. Review status: criteria provided, single submitter. Criteria: Invitae Variant Classification Sherloc (09022015). Collection method: clinical testing. Allele origin: germline.

Ambry Genetics
Classification: Uncertain significance for Inborn genetic diseases. Last evaluated: 2023-10-17. Review status: criteria provided, single submitter. Criteria: Ambry Variant Classification Scheme 2023. Collection method: clinical testing. Allele origin: germline.

GeneDx
Classification: Uncertain significance. Last evaluated: 2017-08-14. Review status: criteria provided, single submitter. Criteria: GeneDx Variant Classification (06012015). Collection method: clinical testing. Allele origin: germline. Affected: yes.
Comment: The K163N variant in the PPP2R1A gene has not been reported previously as a pathogenic variant, nor as a benign variant, to our knowledge. The K163N variant is not observed in large population cohorts (Lek et al., 2016; 1000 Genomes Consortium et al., 2015; Exome Variant Server). The K163N variant is a semi-conservative amino acid substitution, which may impact secondary protein structure as these residues differ in some properties. This substitution occurs at a position that is conserved across species. In silico analysis predicts this variant is probably damaging to the protein structure/function. We interpret K163N as a variant of uncertain significance.